The following is an entry in ClinVar:

NM_000032.5(ALAS2):c.760C>A (p.Leu254Ile)

Gene: ALAS2 (5'-aminolevulinate synthase 2; minus strand). Cytogenetic location: Xp11.21.
Variant type: single nucleotide variant.
Coding change: c.760C>A on transcript NM_000032.5 (MANE Select); coding-DNA position 760, C replaced by A.
Protein change: p.Leu254Ile; replaces leucine 254 with isoleucine.
Molecular consequence: missense variant.
Genome position (GRCh38, 1-based): chrX:55,020,383, G>T on the plus strand (C>A on the coding strand, the complement: ALAS2 is on the minus strand). VCF-style: chrX-55020383-G-T. GRCh37 (hg19) VCF-style: chrX-55046816-G-T.
Other names: c.649C>A, p.Leu217Ile (NM_001037967.4); c.721C>A, p.Leu241Ile (NM_001037968.4); short protein forms L241I, L217I, L254I.
Identifiers: ClinVar variation 3672695 (VCV003672695.2).

ClinVar aggregate classification (germline): Uncertain significance (1 of 4 stars; one submission).

Submission:

Labcorp Genetics (formerly Invitae), Labcorp
Classification: Uncertain significance. Last evaluated: 2024-04-30. Review status: criteria provided, single submitter. Criteria: Invitae Variant Classification Sherloc (09022015). Collection method: clinical testing. Allele origin: germline.
Comment: This sequence change replaces leucine, which is neutral and non-polar, with isoleucine, which is neutral and non-polar, at codon 254 of the ALAS2 protein (p.Leu254Ile). This variant is not present in population databases (gnomAD no frequency). This variant has not been reported in the literature in individuals affected with ALAS2-related conditions. Advanced modeling of protein sequence and biophysical properties (such as structural, functional, and spatial information, amino acid conservation, physicochemical variation, residue mobility, and thermodynamic stability) has been performed at Invitae for this missense variant, however the output from this modeling did not meet the statistical confidence thresholds required to predict the impact of this variant on ALAS2 protein function. In summary, the available evidence is currently insufficient to determine the role of this variant in disease. Therefore, it has been classified as a Variant of Uncertain Significance.